The following is an entry in ClinVar:

NM_005219.5(DIAPH1):c.3706G>C (p.Glu1236Gln)

Gene: DIAPH1 (diaphanous related formin 1; minus strand). Cytogenetic location: 5q31.3.
Variant type: single nucleotide variant.
Coding change: c.3706G>C on transcript NM_005219.5 (MANE Select); coding-DNA position 3706, G replaced by C.
Protein change: p.Glu1236Gln; replaces glutamic acid 1236 with glutamine.
Molecular consequence: missense variant. On other transcripts: 3 prime UTR variant (1).
Genome position (GRCh38, 1-based): chr5:141,516,964, C>G on the plus strand (G>C on the coding strand, the complement: DIAPH1 is on the minus strand). VCF-style: chr5-141516964-C-G. GRCh37 (hg19) VCF-style: chr5-140896531-C-G.
Other names: c.3679G>C, p.Glu1227Gln (NM_001079812.3); c.*6G>C (NM_001314007.2); short protein forms E1236Q, E1227Q.
Identifiers: ClinVar variation 2948756 (VCV002948756.3), dbSNP rs772429379, ClinGen allele CA3478671.

ClinVar aggregate classification (germline): Uncertain significance (1 of 4 stars; one submission).

Conditions:
Progressive microcephaly-seizures-cortical blindness-developmental delay syndrome. Also called: Seizures, cortical blindness, and microcephaly syndrome. Identifiers: Orphanet 477814, MedGen C5567650, MONDO:0014714, OMIM 616632.
Autosomal dominant nonsyndromic hearing loss 1. Also called: KONIGSMARK SYNDROME; DEAFNESS, AUTOSOMAL DOMINANT 1, WITH OR WITHOUT THROMBOCYTOPENIA. Identifiers: Orphanet 90635, MedGen C1852282, MONDO:0007424, OMIM 124900.

Allele frequency attached by ClinVar (database versions not stated): ExAC 0.00001; gnomAD exomes 0.00001; TOPMed 0.00001.
gnomAD v4.1: 17 of 1,614,224 alleles (0.0011%); highest among the groups gnomAD compares: Non-Finnish European, 0.0014%; no homozygotes.

Submission:

Labcorp Genetics (formerly Invitae), Labcorp
Classification: Uncertain significance for Progressive microcephaly-seizures-cortical blindness-developmental delay syndrome; Autosomal dominant nonsyndromic hearing loss 1. Last evaluated: 2023-06-10. Review status: criteria provided, single submitter. Criteria: Invitae Variant Classification Sherloc (09022015). Collection method: clinical testing. Allele origin: germline.
Comment: In summary, the available evidence is currently insufficient to determine the role of this variant in disease. Therefore, it has been classified as a Variant of Uncertain Significance. An algorithm developed to predict the effect of missense changes on protein structure and function (PolyPhen-2) suggests that this variant is likely to be disruptive. This variant has not been reported in the literature in individuals affected with DIAPH1-related conditions. This variant is present in population databases (rs772429379, gnomAD 0.002%). This sequence change replaces glutamic acid, which is acidic and polar, with glutamine, which is neutral and polar, at codon 1236 of the DIAPH1 protein (p.Glu1236Gln).